The following is an entry in ClinVar:

NM_001127222.2(CACNA1A):c.329C>T (p.Ala110Val)

Gene: CACNA1A (calcium voltage-gated channel subunit alpha1 A; minus strand). Cytogenetic location: 19p13.13.
Variant type: single nucleotide variant.
Coding change: c.329C>T on transcript NM_001127222.2 (MANE Select); coding-DNA position 329, C replaced by T.
Protein change: p.Ala110Val; replaces alanine 110 with valine.
Molecular consequence: missense variant.
Genome position (GRCh38, 1-based): chr19:13,455,177, G>A on the plus strand (C>T on the coding strand, the complement: CACNA1A is on the minus strand). VCF-style: chr19-13455177-G-A. GRCh37 (hg19) VCF-style: chr19-13565991-G-A.
Other names: c.329C>T, p.Ala110Val (NM_000068.4, NM_001127221.2, NM_001174080.2 and 1 more transcripts); short protein forms A110V.
Identifiers: ClinVar variation 426786 (VCV000426786.3), dbSNP rs1085307798, ClinGen allele CA404967891.

ClinVar aggregate classification (germline): Uncertain significance (1 of 4 stars; one submission).

Allele frequency attached by ClinVar (database versions not stated): gnomAD exomes below 0.00001.

Submission:

GeneDx
Classification: Uncertain significance. Last evaluated: 2020-06-01. Review status: criteria provided, single submitter. Criteria: GeneDx Variant Classification Process June 2021. Collection method: clinical testing. Allele origin: germline. Affected: yes.
Comment: Not observed in large population cohorts (Lek et al., 2016); In silico analysis supports that this missense variant has a deleterious effect on protein structure/function; Has not been previously published as pathogenic or benign to our knowledge